The following is an entry in ClinVar:

NM_025114.4(CEP290):c.3733_3735del (p.Lys1245del)

Gene: CEP290 (centrosomal protein 290; minus strand). Cytogenetic location: 12q21.32.
Variant type: Deletion.
Coding change: c.3733_3735del on transcript NM_025114.4 (MANE Select); coding-DNA positions 3733 to 3735, 3 bases deleted (AAA; older notation c.3733_3735delAAA).
Protein change: p.Lys1245del; deletes lysine 1245.
Molecular consequence: inframe deletion.
Genome position (GRCh38, 1-based): chr12:88,089,326-88,089,328, TTT deleted on the plus strand (AAA on the coding strand, the reverse complement: CEP290 is on the minus strand); deleting any 3 consecutive bases within chr12:88,089,326-88,089,330 gives the same sequence; the c. name uses the placement nearest the transcript's 3' end. VCF-style (leftmost placement, unchanged base first): chr12-88089325-CTTT-C. GRCh37 (hg19) VCF-style: chr12-88483102-CTTT-C.
Other names: short protein forms K1245del.
Identifiers: ClinVar variation 1434007 (VCV001434007.8), dbSNP rs2137277006, ClinGen allele CA2573149006.

ClinVar aggregate classification (germline): Uncertain significance (1 of 4 stars; one submission).

Conditions:
Joubert syndrome. Also called: CEREBELLOPARENCHYMAL DISORDER IV; JOUBERT-BOLTSHAUSER SYNDROME; Familial aplasia of the vermis. Identifiers: Orphanet 475, MedGen C5979921, MONDO:0018772.
Nephronophthisis. Also called: Juvenile Nephronophthisis. Identifiers: Orphanet 655, MedGen C0687120, MONDO:0019005, HP:0000090.
Meckel-Gruber syndrome. Also called: DYSENCEPHALIA SPLANCHNOCYSTICA; GRUBER SYNDROME; Dysencephalia splachnocystica. Identifiers: Orphanet 564, MedGen C0265215, MONDO:0018921.

Submission:

Labcorp Genetics (formerly Invitae), Labcorp
Classification: Uncertain significance for Joubert syndrome; Meckel-Gruber syndrome; Nephronophthisis. Last evaluated: 2024-10-23. Review status: criteria provided, single submitter. Criteria: Invitae Variant Classification Sherloc (09022015). Collection method: clinical testing. Allele origin: germline.
Comment: This variant, c.3733_3735del, results in the deletion of 1 amino acid(s) of the CEP290 protein (p.Lys1245del), but otherwise preserves the integrity of the reading frame. This variant is not present in population databases (gnomAD no frequency). This variant has not been reported in the literature in individuals affected with CEP290-related conditions. ClinVar contains an entry for this variant (Variation ID: 1434007). Experimental studies and prediction algorithms are not available or were not evaluated, and the functional significance of this variant is currently unknown. In summary, the available evidence is currently insufficient to determine the role of this variant in disease. Therefore, it has been classified as a Variant of Uncertain Significance.